The following is an entry in ClinVar:

NM_015102.5(NPHP4):c.3446G>A (p.Arg1149His)

Gene: NPHP4 (nephrocystin 4; minus strand). Cytogenetic location: 1p36.31.
Variant type: single nucleotide variant.
Coding change: c.3446G>A on transcript NM_015102.5 (MANE Select); coding-DNA position 3446, G replaced by A.
Protein change: p.Arg1149His; replaces arginine 1149 with histidine.
Molecular consequence: missense variant. On other transcripts: non-coding transcript variant (1).
Genome position (GRCh38, 1-based): chr1:5,867,766, C>T on the plus strand (G>A on the coding strand, the complement: NPHP4 is on the minus strand). VCF-style: chr1-5867766-C-T. GRCh37 (hg19) VCF-style: chr1-5927826-C-T.
Other names: c.1907G>A, p.Arg636His (NM_001291593.2); c.1910G>A, p.Arg637His (NM_001291594.2); c.3446G>A (NM_015102.3, NM_015102.4); short protein forms R636H, R637H, R1149H.
Identifiers: ClinVar variation 1481387 (VCV001481387.9), dbSNP rs749025936, ClinGen allele CA553617.

ClinVar aggregate classification (germline): Uncertain significance. Review status: criteria provided, multiple submitters, no conflicts (2 of 4 stars). 3 submissions from 3 submitters: Uncertain significance (3). Last evaluated 2025-08-31.

Conditions:
Nephronophthisis. Also called: Juvenile Nephronophthisis. Identifiers: Orphanet 655, MedGen C0687120, MONDO:0019005, HP:0000090.
Inborn genetic diseases. Identifiers: MedGen C0950123, MeSH D030342.
NPHP4-related disorder. Also called: NPHP4-related disorders; NPHP4-related condition. Identifiers: MedGen CN239384.

Allele frequency attached by ClinVar (database versions not stated): gnomAD 0.00001 and 0.00003; TOPMed 0.00001; gnomAD exomes 0.00002; ExAC 0.00003.
gnomAD v4.1: 27 of 1,611,156 alleles (0.0017%); highest among the groups gnomAD compares: South Asian, 0.012%; no homozygotes.

Submissions (3):

Ambry Genetics
Classification: Uncertain significance for Inborn genetic diseases. Last evaluated: 2025-08-31. Review status: criteria provided, single submitter. Criteria: Ambry Variant Classification Scheme 2023. Collection method: clinical testing. Allele origin: germline.

PreventionGenetics, part of Exact Sciences
Classification: Uncertain significance for NPHP4-related condition. Last evaluated: 2025-08-04. Review status: criteria provided, single submitter. Criteria: ACMG Guidelines, 2015. Collection method: clinical testing. Allele origin: germline.
Comment: The NPHP4 c.3446G>A variant is predicted to result in the amino acid substitution p.Arg1149His. To our knowledge, this variant has not been reported in the literature. This variant is reported in 0.015% of alleles in individuals of East Asian descent in gnomAD. At this time, the clinical significance of this variant is uncertain due to the absence of conclusive functional and genetic evidence.

Labcorp Genetics (formerly Invitae), Labcorp
Classification: Uncertain significance for Nephronophthisis. Last evaluated: 2022-03-06. Review status: criteria provided, single submitter. Criteria: Invitae Variant Classification Sherloc (09022015). Collection method: clinical testing. Allele origin: germline.
Comment: This sequence change replaces arginine, which is basic and polar, with histidine, which is basic and polar, at codon 1149 of the NPHP4 protein (p.Arg1149His). This variant is present in population databases (rs749025936, gnomAD 0.02%). This variant has not been reported in the literature in individuals affected with NPHP4-related conditions. Algorithms developed to predict the effect of missense changes on protein structure and function are either unavailable or do not agree on the potential impact of this missense change (SIFT: "Tolerated"; PolyPhen-2: "Probably Damaging"; Align-GVGD: "Class C0"). In summary, the available evidence is currently insufficient to determine the role of this variant in disease. Therefore, it has been classified as a Variant of Uncertain Significance.